The following is an entry in ClinVar:

NM_001042492.3(NF1):c.790G>T (p.Ala264Ser)

Gene: NF1 (neurofibromin 1; plus strand). Cytogenetic location: 17q11.2.
Variant type: single nucleotide variant.
Coding change: c.790G>T on transcript NM_001042492.3 (MANE Select); coding-DNA position 790, G replaced by T.
Protein change: p.Ala264Ser; replaces alanine 264 with serine.
Molecular consequence: missense variant.
Genome position (GRCh38, 1-based): chr17:31,182,567, G>T. VCF-style: chr17-31182567-G-T. GRCh37 (hg19) VCF-style: chr17-29509585-G-T.
Other names: c.790G>T, p.Ala264Ser (NM_000267.4, NM_001128147.3); short protein forms A264S.
Identifiers: ClinVar variation 4800709 (VCV004800709.1).

ClinVar aggregate classification (germline): Uncertain significance (1 of 4 stars; one submission).

Conditions:
Neurofibromatosis, type 1 (NF1). Also called: VON RECKLINGHAUSEN DISEASE; Neurofibromatosis, type I; NEUROFIBROMATOSIS, TYPE I, SOMATIC; Peripheral type neurofibromatosis. Identifiers: Orphanet 636, MedGen C0027831, MONDO:0018975, OMIM 162200. Disease mechanism: loss of function.

Submission:

Labcorp Genetics (formerly Invitae), Labcorp
Classification: Uncertain significance for Neurofibromatosis, type 1. Last evaluated: 2025-12-17. Review status: criteria provided, single submitter. Criteria: Invitae Variant Classification Sherloc (09022015). Collection method: clinical testing. Allele origin: germline.
Comment: This sequence change replaces alanine, which is neutral and non-polar, with serine, which is neutral and polar, at codon 264 of the NF1 protein (p.Ala264Ser). This variant is not present in population databases (gnomAD no frequency). This variant has not been reported in the literature in individuals affected with NF1-related conditions. Invitae Evidence Modeling of protein sequence and biophysical properties (such as structural, functional, and spatial information, amino acid conservation, physicochemical variation, residue mobility, and thermodynamic stability) has been performed for this missense variant. However, the output from this modeling did not meet the statistical confidence thresholds required to predict the impact of this variant on NF1 protein function. In summary, the available evidence is currently insufficient to determine the role of this variant in disease. Therefore, it has been classified as a Variant of Uncertain Significance.